The following is an entry in ClinVar:

ClinVar aggregate classification (germline): Conflicting classifications of pathogenicity. Review status: criteria provided, conflicting classifications (1 of 4 stars). 5 submissions from 5 submitters: Uncertain significance (4); Likely benign (1). Last evaluated 2025-12-18.

Conditions:
Cataract 41 (CTRCT41). Also called: CATARACT 41, CONGENITAL NUCLEAR TYPE. Identifiers: Orphanet 91492, Orphanet 98991, Orphanet 98992, Orphanet 98995, MedGen C3805412, MONDO:0007287, OMIM 116400.
Wolfram syndrome 1 (WFS1). Identifiers: Orphanet 3463, MedGen C4551693, MONDO:0009101, OMIM 222300.
Autosomal dominant nonsyndromic hearing loss 6 (LFSNHL). Also called: Autosomal dominant nonsyndromic deafness 6; DEAFNESS, AUTOSOMAL DOMINANT 6; DEAFNESS, AUTOSOMAL DOMINANT 14; DEAFNESS, AUTOSOMAL DOMINANT 38. Identifiers: Orphanet 90635, MedGen C1833021, MONDO:0010963, OMIM 600965.
Type 2 diabetes mellitus. Also called: Type II diabetes mellitus. Identifiers: MedGen C0011860, MeSH D003924, MONDO:0005148, OMIM 125853, HP:0005978.
Wolfram-like syndrome. Also called: HEARING LOSS, PROGRESSIVE, WITH OPTIC ATROPHY AND/OR IMPAIRED GLUCOSE REGULATION. Identifiers: Orphanet 411590, MedGen C3280358, MONDO:0013673, OMIM 614296.

Allele frequency attached by ClinVar (database versions not stated): TOPMed 0.00002.
gnomAD v4.1: 21 of 1,611,502 alleles (0.0013%); highest among the groups gnomAD compares: Admixed American, 0.03%; no homozygotes.

Submissions (5):

Labcorp Genetics (formerly Invitae), Labcorp
Classification: Likely benign. Last evaluated: 2025-12-18. Review status: criteria provided, single submitter. Criteria: Invitae Variant Classification Sherloc (09022015). Collection method: clinical testing. Allele origin: germline.

Laboratory of Prof. Karen Avraham, Tel Aviv University
Classification: Uncertain significance for Autosomal dominant nonsyndromic hearing loss 6. Last evaluated: 2024-12-26. Review status: criteria provided, single submitter. Criteria: ACMG Guidelines, 2015. Collection method: research. Allele origin: germline. Affected: yes. Observed: 1 variant allele.
Comment: The WFS1 c.2406C>G:p.(Ile802Met) variant is very rare and predicted deleterious.

GeneDx
Classification: Uncertain significance. Last evaluated: 2024-11-05. Review status: criteria provided, single submitter. Criteria: GeneDx Variant Classification Process June 2021. Collection method: clinical testing. Allele origin: germline. Affected: yes.
Comment: In silico analysis indicates that this missense variant does not alter protein structure/function; Has not been previously published as pathogenic or benign to our knowledge

Fulgent Genetics
Classification: Uncertain significance for Cataract 41; Type 2 diabetes mellitus; Wolfram syndrome 1; Autosomal dominant nonsyndromic hearing loss 6; Wolfram-like syndrome. Last evaluated: 2024-06-07. Review status: criteria provided, single submitter. Criteria: ACMG Guidelines, 2015. Collection method: clinical testing. Allele origin: germline.

Laboratory for Molecular Medicine, Mass General Brigham Personalized Medicine
Classification: Uncertain significance. Last evaluated: 2015-06-25. Review status: criteria provided, single submitter. Criteria: LMM Criteria. Collection method: clinical testing. Allele origin: germline. Observed: 1 variant allele.
Comment: The p.Ile802Met variant in WFS1 has not been previously reported in individuals with hearing loss, but has been identified in 9/11418 Latino chromosomes by the Exome Aggregation Consortium (ExAC; dbSNP rs2011 02144). Computational prediction tools and conservation analysis do not provide strong support for or against an impact to the protein. In summary, the clinical significance of the p.Ile802Met variant is uncertain.

NM_006005.3(WFS1):c.2406C>G (p.Ile802Met)

Gene: WFS1 (wolframin ER transmembrane glycoprotein; plus strand). Cytogenetic location: 4p16.1.
Variant type: single nucleotide variant.
Coding change: c.2406C>G on transcript NM_006005.3 (MANE Select); coding-DNA position 2406, C replaced by G.
Protein change: p.Ile802Met; replaces isoleucine 802 with methionine.
Molecular consequence: missense variant.
Genome position (GRCh38, 1-based): chr4:6,302,201, C>G. VCF-style: chr4-6302201-C-G. GRCh37 (hg19) VCF-style: chr4-6303928-C-G.
Other names: DFNA6; c.2406C>G, p.Ile802Met (NM_001145853.1); short protein forms I802M.
Identifiers: ClinVar variation 229642 (VCV000229642.15), dbSNP rs201102144, ClinGen allele CA2839724.